The following is an entry in ClinVar:

NM_177438.3(DICER1):c.2928C>A (p.Tyr976Ter)

Gene: DICER1 (dicer 1, ribonuclease III; minus strand). Cytogenetic location: 14q32.13.
Variant type: single nucleotide variant.
Coding change: c.2928C>A on transcript NM_177438.3 (MANE Select); coding-DNA position 2928, C replaced by A.
Protein change: p.Tyr976Ter; replaces tyrosine 976 with a stop codon.
Molecular consequence: nonsense.
Genome position (GRCh38, 1-based): chr14:95,106,100, G>T on the plus strand (C>A on the coding strand, the complement: DICER1 is on the minus strand). VCF-style: chr14-95106100-G-T. GRCh37 (hg19) VCF-style: chr14-95572437-G-T.
Other names: c.2928C>A, p.Tyr976Ter (NM_001195573.1, NM_001271282.3, NM_001291628.2 and 1 more transcripts); short protein forms Y976*.
Identifiers: ClinVar variation 933070 (VCV000933070.3), dbSNP rs1891397547, ClinGen allele CA390878928.

ClinVar aggregate classification (germline): Pathogenic (1 of 4 stars; one submission).

Conditions:
DICER1-related tumor predisposition. Also called: DICER1-related pleuropulmonary blastoma cancer predisposition syndrome; DICER1 syndrome. Identifiers: Orphanet 284343, MedGen C3839822, MONDO:0100216.

Submission:

Foulkes Cancer Genetics LDI, Lady Davis Institute for Medical Research
Classification: Pathogenic for Pleuropulmonary blastoma. Last evaluated: 2019-07-01. Review status: criteria provided, single submitter. Criteria: ACMG Guidelines, 2015. Collection method: curation. Allele origin: germline. Affected: yes. Observed: 2 variant alleles.
Comment: ACMG criteria met: PVS1, PM2, PP4

Literature cited by the submitters: PubMed 24481001; PubMed 28624956.